The following is an entry in ClinVar:

ClinVar aggregate classification (germline): Benign. Review status: criteria provided, multiple submitters, no conflicts (2 of 4 stars). 5 submissions from 5 submitters: Benign (5). Last evaluated 2026-02-04.

Conditions:
Cone-rod dystrophy 20 (CORD20). Identifiers: Orphanet 1872, MedGen C4014856, MONDO:0014427, OMIM 615973.

Allele frequency attached by ClinVar (database versions not stated): 1000 Genomes Project 30x 0.74766; 1000 Genomes Project 0.74900; gnomAD 0.75411 and 0.75554; TOPMed 0.74545; ESP Exome Variant Server 0.76063.
gnomAD v4.1: 991,405 of 1,313,980 alleles (75%); highest among the groups gnomAD compares: Middle Eastern, 83%; 375,849 homozygotes.

Submissions (5):

Labcorp Genetics (formerly Invitae), Labcorp
Classification: Benign. Last evaluated: 2026-02-04. Review status: criteria provided, single submitter. Criteria: Invitae Variant Classification Sherloc (09022015). Collection method: clinical testing. Allele origin: germline.

Blueprint Genetics
Classification: Benign. Last evaluated: 2024-11-27. Review status: criteria provided, single submitter. Criteria: ACMG Guidelines, 2015. Collection method: clinical testing. Allele origin: germline.

Genome-Nilou Lab
Classification: Benign for Cone-rod dystrophy 20. Last evaluated: 2021-10-25. Review status: criteria provided, single submitter. Criteria: ACMG Guidelines, 2015. Collection method: clinical testing. Allele origin: germline. Affected: no.

GeneDx
Classification: Benign. Last evaluated: 2018-06-14. Review status: criteria provided, single submitter. Criteria: GeneDx Variant Classification (06012015). Collection method: clinical testing. Allele origin: germline. Affected: yes.
Comment: This variant is considered likely benign or benign based on one or more of the following criteria: it is a conservative change, it occurs at a poorly conserved position in the protein, it is predicted to be benign by multiple in silico algorithms, and/or has population frequency not consistent with disease.

Breakthrough Genomics
Classification: Benign. Review status: criteria provided, single submitter. Criteria: ACMG Guidelines, 2015. Collection method: not provided. Allele origin: germline. Inheritance: Autosomal recessive inheritance. Affected: yes.

NM_172240.3(POC1B):c.1113+7C>T

Genes: POC1B (POC1 centriolar protein B; minus strand), POC1B-DUSP6 (POC1B-DUSP6 readthrough; minus strand). Cytogenetic location: 12q21.33.
Variant type: single nucleotide variant.
Coding change: c.1113+7C>T on transcript NM_172240.3 (MANE Select); 7 bases into the intron after coding-DNA position 1113, C replaced by T.
Molecular consequence: intron variant.
Genome position (GRCh38, 1-based): chr12:89,459,631, G>A on the plus strand (C>T on the coding strand, the complement: POC1B is on the minus strand). VCF-style: chr12-89459631-G-A. GRCh37 (hg19) VCF-style: chr12-89853408-G-A.
Other names: c.987+7C>T (NM_001199777.2).
Identifiers: ClinVar variation 677224 (VCV000677224.14), dbSNP rs4842658, ClinGen allele CA6714287.